The following is an entry in ClinVar:

NM_001232.4(CASQ2):c.1131_1133del (p.Glu377del)

Gene: CASQ2 (calsequestrin 2; minus strand). Cytogenetic location: 1p13.1.
Variant type: Deletion.
Coding change: c.1131_1133del on transcript NM_001232.4 (MANE Select); coding-DNA positions 1131 to 1133, 3 bases deleted (AGA; older notation c.1131_1133delAGA).
Protein change: p.Glu377del; deletes glutamic acid 377.
Molecular consequence: inframe deletion.
Genome position (GRCh38, 1-based): chr1:115,701,308-115,701,310, TCT deleted on the plus strand (AGA on the coding strand, the reverse complement: CASQ2 is on the minus strand); deleting any 3 consecutive bases within chr1:115,701,308-115,701,312 gives the same sequence; the c. name uses the placement nearest the transcript's 3' end. VCF-style (leftmost placement, unchanged base first): chr1-115701307-ATCT-A. GRCh37 (hg19) VCF-style: chr1-116243928-ATCT-A.
Other names: c.1131_1133delAGA (NM_001232.3); short protein forms E377del.
Identifiers: ClinVar variation 463658 (VCV000463658.6), dbSNP rs765914619, ClinGen allele CA1023612.

ClinVar aggregate classification (germline): Uncertain significance. Review status: criteria provided, multiple submitters, no conflicts (2 of 4 stars). 3 submissions from 3 submitters: Uncertain significance (3). Last evaluated 2025-10-20.

Conditions:
Cardiovascular phenotype. Identifiers: MedGen CN230736.
Catecholaminergic polymorphic ventricular tachycardia 2. Also called: VENTRICULAR TACHYCARDIA, STRESS-INDUCED POLYMORPHIC 2; CASQ2-Related Catecholaminergic Polymorphic Ventricular Tachycardia. Identifiers: Orphanet 3286, MedGen C2677794, MONDO:0012762, OMIM 611938.
Catecholaminergic polymorphic ventricular tachycardia 1. Also called: VENTRICULAR TACHYCARDIA, STRESS-INDUCED POLYMORPHIC 1; VENTRICULAR TACHYCARDIA, CATECHOLAMINERGIC POLYMORPHIC, 1, WITH OR WITHOUT ATRIAL DYSFUNCTION AND/OR DILATED CARDIOMYOPATHY; RYR2-Related Catecholaminergic Polymorphic Ventricular Tachycardia. Identifiers: Orphanet 3286, MedGen C1631597, MONDO:0011484, OMIM 604772.

Submissions (3):

Labcorp Genetics (formerly Invitae), Labcorp
Classification: Uncertain significance for Catecholaminergic polymorphic ventricular tachycardia 1. Last evaluated: 2025-10-20. Review status: criteria provided, single submitter. Criteria: Invitae Variant Classification Sherloc (09022015). Collection method: clinical testing. Allele origin: germline.
Comment: This variant, c.1131_1133del, results in the deletion of 1 amino acid(s) of the CASQ2 protein (p.Glu377del), but otherwise preserves the integrity of the reading frame. The frequency data for this variant in the population databases is considered unreliable, as metrics indicate poor data quality at this position in the gnomAD database. This variant has not been reported in the literature in individuals affected with CASQ2-related conditions. ClinVar contains an entry for this variant (Variation ID: 463658). Experimental studies and prediction algorithms are not available or were not evaluated, and the functional significance of this variant is currently unknown. In summary, the available evidence is currently insufficient to determine the role of this variant in disease. Therefore, it has been classified as a Variant of Uncertain Significance.

Genome-Nilou Lab
Classification: Uncertain significance for Catecholaminergic polymorphic ventricular tachycardia 2. Last evaluated: 2023-04-11. Review status: criteria provided, single submitter. Criteria: ACMG Guidelines, 2015. Collection method: clinical testing. Allele origin: germline. Affected: no.

Ambry Genetics
Classification: Uncertain significance for Cardiovascular phenotype. Last evaluated: 2021-06-30. Review status: criteria provided, single submitter. Criteria: Ambry Variant Classification Scheme 2023. Collection method: clinical testing. Allele origin: germline.
Comment: The c.1131_1133delAGA variant (also known as p.E377del) is located in coding exon 11 of the CASQ2 gene. This variant results from an in-frame AGA deletion at nucleotide positions 1131 to 1133. This results in the in-frame deletion of a glutamic acid at codon 377. This amino acid position is not well conserved in available vertebrate species. In addition, this alteration is predicted to be neutral by in silico analysis (Choi Y et al. PLoS ONE. 2012; 7(10):e46688). Since supporting evidence is limited at this time, the clinical significance of this alteration remains unclear.